The following is an entry in ClinVar:

ClinVar aggregate classification (germline): Uncertain significance (0 of 4 stars; one submission).

Conditions:
PCNT-related disorder. Also called: PCNT-related condition.

gnomAD v4.1: 1 of 1,612,788 alleles (0.000062%); highest among the groups gnomAD compares: African/African-American, 0.0013%; no homozygotes.

Submission:

PreventionGenetics, part of Exact Sciences
Classification: Uncertain significance for PCNT-related condition. Last evaluated: 2024-08-16. Review status: no assertion criteria provided. Collection method: clinical testing. Allele origin: germline.
Comment: The PCNT c.8221T>C variant is predicted to result in the amino acid substitution p.Ser2741Pro. To our knowledge, this variant has not been reported in the literature. This variant is reported in 0.011% of alleles in individuals of African descent in gnomAD. At this time, the clinical significance of this variant is uncertain due to the absence of conclusive functional and genetic evidence.

NM_006031.6(PCNT):c.8221T>C (p.Ser2741Pro)

Gene: PCNT (pericentrin; plus strand). Cytogenetic location: 21q22.3.
Variant type: single nucleotide variant.
Coding change: c.8221T>C on transcript NM_006031.6 (MANE Select); coding-DNA position 8221, T replaced by C.
Protein change: p.Ser2741Pro; replaces serine 2741 with proline.
Molecular consequence: missense variant.
Genome position (GRCh38, 1-based): chr21:46,431,685, T>C. VCF-style: chr21-46431685-T-C. GRCh37 (hg19) VCF-style: chr21-47851599-T-C.
Other names: c.7867T>C, p.Ser2623Pro (NM_001315529.2); short protein forms S2623P, S2741P.
Identifiers: ClinVar variation 3348611 (VCV003348611.1).